The following is an entry in ClinVar:

NM_003361.4(UMOD):c.538C>G (p.Leu180Val)

Gene: UMOD (uromodulin; minus strand). Cytogenetic location: 16p12.3.
Variant type: single nucleotide variant.
Coding change: c.538C>G on transcript NM_003361.4 (MANE Select); coding-DNA position 538, C replaced by G.
Protein change: p.Leu180Val; replaces leucine 180 with valine.
Molecular consequence: missense variant. On other transcripts: non-coding transcript variant (1).
Genome position (GRCh38, 1-based): chr16:20,348,763, G>C on the plus strand (C>G on the coding strand, the complement: UMOD is on the minus strand). VCF-style: chr16-20348763-G-C. GRCh37 (hg19) VCF-style: chr16-20360085-G-C.
Other names: p.Leu180Val; c.538C>G, p.Leu180Val (NM_001008389.3, NM_001378232.1, NM_001378233.1 and 3 more transcripts); c.637C>G, p.Leu213Val (NM_001278614.2); short protein forms L180V, L213V.
Identifiers: ClinVar variation 196363 (VCV000196363.33), dbSNP rs187555378, ClinGen allele CA202326.
Genomic context (GRCh38, chr16:20,348,763, plus strand): 5'-GCAGGTCCGTGTCGCAGGCGTAGCCCTCCCCGTACTCGGTGCTGCGCCAGTACTCGTCCA[G>C]GGTGCGGTGCGCCTGGCACGGATCCGCGCACACGAGCGCGTCGCCCTCGGGCACGCAGTC-3'
Protein context (NP_003352.2, residues 170-190): CADPCQAHRT[Leu180Val]DEYWRSTEYG

ClinVar aggregate classification (germline): Conflicting classifications of pathogenicity. Review status: criteria provided, conflicting classifications (1 of 4 stars). 10 submissions from 10 submitters: Uncertain significance (1); Benign (5); Likely benign (3). 1 of the submissions does not count toward it. Last evaluated 2026-01-27.

Conditions:
UMOD-related disorder. Also called: UMOD-related condition.
Familial juvenile hyperuricemic nephropathy type 1 (ADTKD1). Also called: UMOD-Associated Kidney Disease; Uromodulin-associated kidney disease; Autosomal Dominant Tubulointerstitial Kidney Disease – UMOD; Glomerulocystic kidney disease with hyperuricemia and isosthenuria; Medullary cystic kidney disease 2. Identifiers: Orphanet 209886, Orphanet 34149, Orphanet 88950, MedGen C4551496, MONDO:0008073, OMIM 162000.

Allele frequency attached by ClinVar (database versions not stated): gnomAD exomes 0.00084 and 0.00187; ExAC 0.00337; ESP Exome Variant Server 0.00843; 1000 Genomes Project 0.00919; gnomAD 0.00991; TOPMed 0.01017; 1000 Genomes Project 30x 0.01031.
gnomAD v4.1: 2,666 of 1,543,812 alleles (0.17%); highest among the groups gnomAD compares: African/African-American, 3.3%; 43 homozygotes.

Submissions (10):

Labcorp Genetics (formerly Invitae), Labcorp
Classification: Benign. Last evaluated: 2026-01-27. Review status: criteria provided, single submitter. Criteria: Invitae Variant Classification Sherloc (09022015). Collection method: clinical testing. Allele origin: germline.

Rare Kidney Stone Consortium and the Mayo Clinic Hyperoxaluria Center, Mayo Clinic
Classification: Uncertain significance for Familial juvenile hyperuricemic nephropathy type 1. Last evaluated: 2025-10-03. Review status: criteria provided, single submitter. Criteria: ACMG Guidelines, 2015. Collection method: research. Allele origin: germline. Observed: 1 variant allele.
Comment: ACMG:PP2

CeGaT Center for Human Genetics Tuebingen
Classification: Likely benign. Last evaluated: 2025-10-01. Review status: criteria provided, single submitter. Criteria: CeGaT Center For Human Genetics Tuebingen Variant Classification Criteria Version 2. Collection method: clinical testing. Allele origin: germline. Affected: yes. Observed: 1 variant allele.
Comment: UMOD: PM5, BS1, BS2

Athena Diagnostics
Classification: Benign. Last evaluated: 2024-05-22. Review status: criteria provided, single submitter. Criteria: Athena Diagnostics Criteria. Collection method: clinical testing. Allele origin: unknown.

Mayo Clinic Laboratories, Mayo Clinic
Classification: Benign. Last evaluated: 2023-02-13. Review status: criteria provided, single submitter. Criteria: ACMG Guidelines, 2015. Collection method: clinical testing. Allele origin: germline. Observed: 6 variant alleles.
Comment: BS1, BS2

GeneDx
Classification: Likely benign. Last evaluated: 2021-01-27. Review status: criteria provided, single submitter. Criteria: GeneDx Variant Classification Process June 2021. Collection method: clinical testing. Allele origin: germline. Affected: yes.
Comment: See Variant Classification Assertion Criteria.

Illumina Laboratory Services, Illumina
Classification: Benign for UMOD-Associated Kidney Disease. Last evaluated: 2018-01-12. Review status: criteria provided, single submitter. Criteria: ICSL Variant Classification Criteria 13 December 2019. Collection method: clinical testing. Allele origin: germline.
Comment: This variant was observed in the ICSL laboratory as part of a predisposition screen in an ostensibly healthy population. It had not been previously curated by ICSL or reported in the Human Gene Mutation Database (HGMD: prior to June 1st, 2018), and was therefore a candidate for classification through an automated scoring system. Utilizing variant allele frequency, disease prevalence and penetrance estimates, and inheritance mode, an automated score was calculated to assess if this variant is too frequent to cause the disease. Based on the score and internal cut-off values, a variant classified as benign is not then subjected to further curation. The score for this variant resulted in a classification of benign for this disease.

Eurofins Ntd Llc (ga)
Classification: Benign. Last evaluated: 2014-05-27. Review status: criteria provided, single submitter. Criteria: EGL Classification Definitions 2015. Collection method: clinical testing. Allele origin: germline. Observed: 2 variant alleles, 2 heterozygotes.

Breakthrough Genomics
Classification: Likely benign. Review status: criteria provided, single submitter. Criteria: ACMG Guidelines, 2015. Collection method: not provided. Allele origin: germline. Inheritance: Autosomal dominant inheritance. Affected: yes.

PreventionGenetics, part of Exact Sciences
Classification: Benign for UMOD-related condition. Last evaluated: 2019-09-06. Review status: no assertion criteria provided. Collection method: clinical testing. Allele origin: germline. Not counted in ClinVar's aggregate classification.
Comment: This variant is classified as benign based on ACMG/AMP sequence variant interpretation guidelines (Richards et al. 2015 PMID: 25741868, with internal and published modifications).

Literature cited by the submitters: PubMed 40794449 (cited by Rare Kidney Stone Consortium and the Mayo Clinic Hyperoxaluria Center, Mayo Clinic); PubMed 35947615 (cited by Athena Diagnostics); PubMed 32450155 (cited by Athena Diagnostics and Mayo Clinic Laboratories, Mayo Clinic).